The following is an entry in ClinVar:

ClinVar aggregate classification (germline): Uncertain significance (1 of 4 stars; one submission).

Submission:

Labcorp Genetics (formerly Invitae), Labcorp
Classification: Uncertain significance. Last evaluated: 2022-05-03. Review status: criteria provided, single submitter. Criteria: Invitae Variant Classification Sherloc (09022015). Collection method: clinical testing. Allele origin: germline.
Comment: This sequence change replaces glycine, which is neutral and non-polar, with glutamic acid, which is acidic and polar, at codon 131 of the TWNK protein (p.Gly131Glu). This variant is not present in population databases (gnomAD no frequency). This variant has not been reported in the literature in individuals affected with TWNK-related conditions. Advanced modeling of protein sequence and biophysical properties (such as structural, functional, and spatial information, amino acid conservation, physicochemical variation, residue mobility, and thermodynamic stability) performed at Invitae indicates that this missense variant is not expected to disrupt TWNK protein function. In summary, the available evidence is currently insufficient to determine the role of this variant in disease. Therefore, it has been classified as a Variant of Uncertain Significance.

NM_021830.5(TWNK):c.392G>A (p.Gly131Glu)

Gene: TWNK (twinkle mtDNA helicase; plus strand). Cytogenetic location: 10q24.31.
Variant type: single nucleotide variant.
Coding change: c.392G>A on transcript NM_021830.5 (MANE Select); coding-DNA position 392, G replaced by A.
Protein change: p.Gly131Glu; replaces glycine 131 with glutamic acid.
Molecular consequence: missense variant. On other transcripts: non-coding transcript variant (4), intron variant (3).
Genome position (GRCh38, 1-based): chr10:100,988,602, G>A. VCF-style: chr10-100988602-G-A. GRCh37 (hg19) VCF-style: chr10-102748359-G-A.
Other names: c.392G>A, p.Gly131Glu (NM_001163812.2); c.-120+989G>A (NM_001163814.2, NM_001163813.2); c.-58+989G>A (NM_001368275.1); short protein forms G131E.
Identifiers: ClinVar variation 2096817 (VCV002096817.4), dbSNP rs2493627891, ClinGen allele CA378207249.